The following is an entry in ClinVar:

NM_002734.5(PRKAR1A):c.237G>A (p.Glu79=)

Gene: PRKAR1A (protein kinase cAMP-dependent type I regulatory subunit alpha; plus strand). Cytogenetic location: 17q24.2.
Variant type: single nucleotide variant.
Coding change: c.237G>A on transcript NM_002734.5 (MANE Select); coding-DNA position 237, G replaced by A.
Protein change: p.Glu79=; no amino-acid change (glutamic acid 79 retained).
Molecular consequence: synonymous variant.
Genome position (GRCh38, 1-based): chr17:68,522,815, G>A. VCF-style: chr17-68522815-G-A. GRCh37 (hg19) VCF-style: chr17-66518956-G-A.
Other names: c.237G>A, p.Glu79= (NM_001276289.2, NM_001276290.1, NM_001278433.2 and 4 more transcripts).
Identifiers: ClinVar variation 700218 (VCV000700218.16), dbSNP rs1197286957, ClinGen allele CA501527593.

ClinVar aggregate classification (germline): Likely benign. Review status: criteria provided, multiple submitters, no conflicts (2 of 4 stars). 4 submissions from 4 submitters: Likely benign (3). 1 of the submissions does not count toward it. Last evaluated 2025-11-28.

Conditions:
PRKAR1A-related disorder. Also called: PRKAR1A-related condition.
Carney complex, type 1 (CNC1). Also called: CARNEY MYXOMA-ENDOCRINE COMPLEX; CARNEY COMPLEX, TYPE I. Identifiers: Orphanet 1359, MedGen C2607929, MONDO:0008057, OMIM 160980.
Hereditary cancer-predisposing syndrome. Also called: Hereditary Cancer Syndrome; Neoplastic Syndromes, Hereditary; Hereditary neoplastic syndrome; Tumor predisposition. Identifiers: Orphanet 140162, MedGen C0027672, MeSH D009386, MONDO:0015356.

Allele frequency attached by ClinVar (database versions not stated): gnomAD exomes 0.00002 and 0.00003; gnomAD 0.00007 and 0.00009; TOPMed 0.00011.
gnomAD v4.1: 25 of 1,613,982 alleles (0.0015%); highest among the groups gnomAD compares: Admixed American, 0.038%; 1 homozygote.

Submissions (4):

Labcorp Genetics (formerly Invitae), Labcorp
Classification: Likely benign for Carney complex, type 1. Last evaluated: 2025-11-28. Review status: criteria provided, single submitter. Criteria: Invitae Variant Classification Sherloc (09022015). Collection method: clinical testing. Allele origin: germline.

Ambry Genetics
Classification: Likely benign for Hereditary cancer-predisposing syndrome. Last evaluated: 2022-02-27. Review status: criteria provided, single submitter. Criteria: Ambry Variant Classification Scheme 2023. Collection method: clinical testing. Allele origin: germline.

Sema4
Classification: Likely benign for Hereditary cancer-predisposing syndrome. Last evaluated: 2021-12-26. Review status: criteria provided, single submitter. Criteria: Sema4 Curation Guidelines. Collection method: curation. Allele origin: germline.

PreventionGenetics, part of Exact Sciences
Classification: Likely benign for PRKAR1A-related condition. Last evaluated: 2021-02-18. Review status: no assertion criteria provided. Collection method: clinical testing. Allele origin: germline. Not counted in ClinVar's aggregate classification.
Comment: This variant is classified as likely benign based on ACMG/AMP sequence variant interpretation guidelines (Richards et al. 2015 PMID: 25741868, with internal and published modifications).